The following is an entry in ClinVar:

NM_002439.5(MSH3):c.1571A>C (p.Asn524Thr)

Gene: MSH3 (mutS homolog 3; plus strand). Cytogenetic location: 5q14.1.
Variant type: single nucleotide variant.
Coding change: c.1571A>C on transcript NM_002439.5 (MANE Select); coding-DNA position 1571, A replaced by C.
Protein change: p.Asn524Thr; replaces asparagine 524 with threonine.
Molecular consequence: missense variant.
Genome position (GRCh38, 1-based): chr5:80,741,466, A>C. VCF-style: chr5-80741466-A-C. GRCh37 (hg19) VCF-style: chr5-80037285-A-C.
Other names: p.Asn524Thr; short protein forms N524T.
Identifiers: ClinVar variation 785130 (VCV000785130.40), dbSNP rs55724159, ClinGen allele CA3327975.

ClinVar aggregate classification (germline): Conflicting classifications of pathogenicity. Review status: criteria provided, conflicting classifications (1 of 4 stars). 13 submissions from 13 submitters: Uncertain significance (6); Benign (2); Likely benign (5). Last evaluated 2026-03-30.

Conditions:
Hereditary cancer-predisposing syndrome. Also called: Tumor predisposition; Hereditary neoplastic syndrome; Neoplastic Syndromes, Hereditary; Hereditary Cancer Syndrome. Identifiers: Orphanet 140162, MedGen C0027672, MeSH D009386, MONDO:0015356.
Familial adenomatous polyposis 4 (FAP4). Also called: MSH3-related attenuated familial adenomatous polyposis. Identifiers: Orphanet 480536, MedGen C4310719, MONDO:0044300, OMIM 617100.
Endometrial carcinoma. Also called: Endometrial carcinoma, somatic. Identifiers: MedGen C0476089, MONDO:0002447, OMIM 608089, HP:0012114.

Allele frequency attached by ClinVar (database versions not stated): gnomAD exomes 0.00018; 1000 Genomes Project 0.00120; 1000 Genomes Project 30x 0.00187; gnomAD 0.00220; TOPMed 0.00229; ESP Exome Variant Server 0.00231.
gnomAD v4.1: 577 of 1,564,696 alleles (0.037%); highest among the groups gnomAD compares: African/African-American, 0.68%; 3 homozygotes.

Submissions (13):

Dasa
Classification: Likely benign. Last evaluated: 2026-03-30. Review status: criteria provided, single submitter. Criteria: DASA Assertion Criteria. Collection method: clinical testing. Allele origin: germline.
Comment: NM_002439.5(MSH3):c.1571A>C (p.Asn524Thr) is interpreted based on available population and clinical evidence, including population frequency and no convincing observation in affected individuals. Based on the available data, this variant is classified as likely benign.

Labcorp Genetics (formerly Invitae), Labcorp
Classification: Benign. Last evaluated: 2026-02-03. Review status: criteria provided, single submitter. Criteria: Invitae Variant Classification Sherloc (09022015). Collection method: clinical testing. Allele origin: germline.

Mayo Clinic Laboratories, Mayo Clinic
Classification: Likely benign. Last evaluated: 2025-07-23. Review status: criteria provided, single submitter. Criteria: ACMG Guidelines, 2015. Collection method: clinical testing. Allele origin: germline. Observed: 2 variant alleles.
Comment: BS1, BP4

Quest Diagnostics Nichols Institute San Juan Capistrano
Classification: Benign. Last evaluated: 2025-07-05. Review status: criteria provided, single submitter. Criteria: Quest Diagnostics criteria. Collection method: clinical testing. Allele origin: unknown.

Center for Genomic Medicine, Rigshospitalet, Copenhagen University Hospital
Classification: Uncertain significance. Last evaluated: 2025-03-04. Review status: criteria provided, single submitter. Criteria: ACMG Guidelines, 2015. Collection method: clinical testing. Allele origin: germline.

Blueprint Genetics
Classification: Likely benign. Last evaluated: 2024-10-16. Review status: criteria provided, single submitter. Criteria: ACMG Guidelines, 2015. Collection method: clinical testing. Allele origin: germline.

ARUP Laboratories, Molecular Genetics and Genomics, ARUP Laboratories
Classification: Uncertain significance. Last evaluated: 2023-11-06. Review status: criteria provided, single submitter. Criteria: ARUP Molecular Germline Variant Investigation Process 2024. Collection method: clinical testing. Allele origin: germline.
Comment: The MSH3 c.1571A>C; p.Asn524Thr variant (rs55724159) is reported in the literature in a case of unselected colorectal cancer (DeRycke 2017). However, this variant is also found in the general population with an overall allele frequency of 0.07% (201/282046 alleles), with an increased frequency of 0.7% in the African population (Genome Aggregation Database). The asparagine at codon 524 is moderately conserved, but computational analyses (SIFT, PolyPhen-2) predict that this variant is tolerated. However, due to limited information, the clinical significance of this variant is uncertain at this time. REFERENCES DeRycke MS et al. Targeted sequencing of 36 known or putative colorectal cancer susceptibility genes. Mol Genet Genomic Med. 2017 Jul 23;5(5):553-569.

Department of Pathology and Laboratory Medicine, Sinai Health System
Classification: Uncertain significance for Endometrial carcinoma; Familial adenomatous polyposis 4. Last evaluated: 2022-11-03. Review status: criteria provided, single submitter. Criteria: ACMG Guidelines, 2015. Collection method: clinical testing. Allele origin: germline. Affected: yes.

GeneDx
Classification: Uncertain significance. Last evaluated: 2022-02-14. Review status: criteria provided, single submitter. Criteria: GeneDx Variant Classification Process June 2021. Collection method: clinical testing. Allele origin: germline. Affected: yes.
Comment: In silico analysis supports that this missense variant does not alter protein structure/function; Identified in a patient with breast cancer (Faldoni 2020); This variant is associated with the following publications: (PMID: 33007869)

Sema4
Classification: Likely benign for Hereditary cancer-predisposing syndrome. Last evaluated: 2021-06-25. Review status: criteria provided, single submitter. Criteria: Sema4 Curation Guidelines. Collection method: curation. Allele origin: germline.

Johns Hopkins Genomics, Johns Hopkins University
Classification: Uncertain significance for Familial adenomatous polyposis 4. Last evaluated: 2020-06-26. Review status: criteria provided, single submitter. Criteria: ACMG Guidelines, 2015. Collection method: clinical testing. Allele origin: germline.
Comment: This MSH3 variant (rs55724159) is rare (<0.1%) in a large population dataset (gnomAD: 201/282046 total alleles; 0.071%; no homozygotes) with an increased frequency in individuals of African ancestry (0.7%). This variant has an entry in ClinVar and has been reported in a compound heterozygous state in a patient with unselected colorectal cancer. Three bioinformatic tools queried predict that p.Asn524Thr would be tolerated, and the asparagine residue at this position is mostly conserved across the species assessed. This variant is not predicted to affect normal exon 11 splicing, although this has not been confirmed experimentally to our knowledge. This variant alone is not likely to cause FAP4, but may represent a low-penetrance risk allele. Due to insufficient evidence, we consider the clinical significance of c.1571A>C to be uncertain at this time.

Baylor Genetics
Classification: Uncertain significance for Familial adenomatous polyposis 4. Last evaluated: 2019-07-27. Review status: criteria provided, single submitter. Criteria: ACMG Guidelines, 2015. Collection method: clinical testing. Allele origin: unknown. Affected: yes. Study: CSER-TexasKidsCanSeq.
Comment: This variant was determined to be of uncertain significance according to ACMG Guidelines, 2015 [PMID:25741868].

Ambry Genetics
Classification: Likely benign for Hereditary cancer-predisposing syndrome. Last evaluated: 2018-10-01. Review status: criteria provided, single submitter. Criteria: Ambry Variant Classification Scheme 2023. Collection method: clinical testing. Allele origin: germline.

Literature cited by the submitters: PubMed 28944238 (cited by 3 submitters); PubMed 21128252 (cited by Johns Hopkins Genomics, Johns Hopkins University); PubMed 27476653 (cited by Johns Hopkins Genomics, Johns Hopkins University).